The following is an entry in ClinVar:

NM_006258.4(PRKG1):c.1174-290C>T

Gene: PRKG1 (protein kinase cGMP-dependent 1; plus strand). Cytogenetic location: 10q21.1.
Variant type: single nucleotide variant.
Coding change: c.1174-290C>T on transcript NM_006258.4 (MANE Select); 290 bases into the intron before coding-DNA position 1174, C replaced by T.
Molecular consequence: intron variant.
Genome position (GRCh38, 1-based): chr10:52,271,060, C>T. VCF-style: chr10-52271060-C-T. GRCh37 (hg19) VCF-style: chr10-54030820-C-T.
Other names: c.1129-290C>T (NM_001098512.3).
Identifiers: ClinVar variation 669988 (VCV000669988.1), dbSNP rs16928683, ClinGen allele CA207399752.

ClinVar aggregate classification (germline): Likely benign (1 of 4 stars; one submission).

Allele frequency attached by ClinVar (database versions not stated): gnomAD 0.02466 and 0.02972; TOPMed 0.03701; 1000 Genomes Project 30x 0.07573; 1000 Genomes Project 0.08227.
gnomAD v4.1: 4,486 of 151,992 alleles (3%); highest among the groups gnomAD compares: East Asian, 23%; 293 homozygotes.

Submission:

GeneDx
Classification: Likely benign. Last evaluated: 2018-06-14. Review status: criteria provided, single submitter. Criteria: GeneDx Variant Classification (06012015). Collection method: clinical testing. Allele origin: germline. Affected: yes.
Comment: This variant is considered likely benign or benign based on one or more of the following criteria: it is a conservative change, it occurs at a poorly conserved position in the protein, it is predicted to be benign by multiple in silico algorithms, and/or has population frequency not consistent with disease.